The following is an entry in ClinVar:

ClinVar aggregate classification (germline): Uncertain significance (1 of 4 stars; one submission).

Conditions:
Familial thoracic aortic aneurysm and aortic dissection (TAAD). Also called: Thoracic aortic aneurysms and dissections. Identifiers: Orphanet 91387, MedGen C4707243, MONDO:0019625.

Submission:

Ambry Genetics
Classification: Uncertain significance for Familial thoracic aortic aneurysm and aortic dissection. Last evaluated: 2025-02-06. Review status: criteria provided, single submitter. Criteria: Ambry Variant Classification Scheme 2023. Collection method: clinical testing. Allele origin: germline.
Comment: The p.L77F variant (also known as c.231A>C), located in coding exon 2 of the TGFBR1 gene, results from an A to C substitution at nucleotide position 231. The leucine at codon 77 is replaced by phenylalanine, an amino acid with highly similar properties. This amino acid position is conserved. In addition, this alteration is predicted to be deleterious by in silico analysis. Based on the available evidence, the clinical significance of this variant remains unclear.

NM_004612.4(TGFBR1):c.231A>C (p.Leu77Phe)

Gene: TGFBR1 (transforming growth factor beta receptor 1; plus strand). Cytogenetic location: 9q22.33.
Variant type: single nucleotide variant.
Coding change: c.231A>C on transcript NM_004612.4 (MANE Select); coding-DNA position 231, A replaced by C.
Protein change: p.Leu77Phe; replaces leucine 77 with phenylalanine.
Molecular consequence: missense variant. On other transcripts: non-coding transcript variant (4), intron variant (3).
Genome position (GRCh38, 1-based): chr9:99,128,988, A>C. VCF-style: chr9-99128988-A-C. GRCh37 (hg19) VCF-style: chr9-101891270-A-C.
Other names: c.231A>C, p.Leu77Phe (NM_001130916.3, NM_001306210.2, NM_001407416.1 and 2 more transcripts); c.24A>C, p.Leu8Phe (NM_001407418.1, NM_001407419.1, NM_001407420.1 and 12 more transcripts); c.98-3521A>C (NM_001407436.1); c.98-8871A>C (NM_001407438.1); c.98-13548A>C (NM_001407437.1); short protein forms L8F, L77F.
Identifiers: ClinVar variation 3806420 (VCV003806420.1).
Genomic context (GRCh38, chr9:99,128,988, plus strand): 5'-TGTCACAGAGACCACAGACAAAGTTATACACAACAGCATGTGTATAGCTGAAATTGACTT[A>C]ATTCCTCGAGATAGGCCGTTTGTATGTGCACCCTCTTCAAAAACTGGGTCTGTGACTACA-3'
Protein context (NP_004603.1, residues 67-87): HNSMCIAEID[Leu77Phe]IPRDRPFVCA